The following is an entry in ClinVar:

ClinVar aggregate classification (germline): Uncertain significance (1 of 4 stars; one submission).

Submission:

CeGaT Center for Human Genetics Tuebingen
Classification: Uncertain significance. Last evaluated: 2023-03-01. Review status: criteria provided, single submitter. Criteria: CeGaT Center For Human Genetics Tuebingen Variant Classification Criteria Version 2. Collection method: clinical testing. Allele origin: germline. Affected: yes. Observed: 1 variant allele.
Comment: PKHD1: PM2, BP4

NM_138694.4(PKHD1):c.7832G>C (p.Arg2611Pro)

Gene: PKHD1 (PKHD1 ciliary IPT domain containing fibrocystin/polyductin; minus strand). Cytogenetic location: 6p12.2.
Variant type: single nucleotide variant.
Coding change: c.7832G>C on transcript NM_138694.4 (MANE Select); coding-DNA position 7832, G replaced by C.
Protein change: p.Arg2611Pro; replaces arginine 2611 with proline.
Molecular consequence: missense variant.
Genome position (GRCh38, 1-based): chr6:51,855,972, C>G on the plus strand (G>C on the coding strand, the complement: PKHD1 is on the minus strand). VCF-style: chr6-51855972-C-G. GRCh37 (hg19) VCF-style: chr6-51720770-C-G.
Other names: c.7832G>C, p.Arg2611Pro (NM_170724.3); short protein forms R2611P.
Identifiers: ClinVar variation 2499011 (VCV002499011.28), dbSNP rs143570672, ClinGen allele CA364433924.